The following is an entry in ClinVar:

ClinVar aggregate classification (germline): Likely benign. Review status: criteria provided, single submitter (1 of 4 stars). 2 submissions from 2 submitters: Likely benign (1). 1 of the submissions does not count toward it. Last evaluated 2019-12-31.

Conditions:
DNHD1-related disorder. Also called: DNHD1-related condition.

Allele frequency attached by ClinVar (database versions not stated): ESP Exome Variant Server 0.00109; TOPMed 0.00189; gnomAD 0.00196 and 0.00173; gnomAD exomes 0.00215 and 0.00248; 1000 Genomes Project 0.00220; 1000 Genomes Project 30x 0.00187; ExAC 0.00220.
gnomAD v4.1: 3,978 of 1,612,598 alleles (0.25%); highest among the groups gnomAD compares: South Asian, 0.66%; 16 homozygotes.

Submissions (2):

Labcorp Genetics (formerly Invitae), Labcorp
Classification: Likely benign. Last evaluated: 2019-12-31. Review status: criteria provided, single submitter. Criteria: Invitae Variant Classification Sherloc (09022015). Collection method: clinical testing. Allele origin: germline.

PreventionGenetics, part of Exact Sciences
Classification: Likely benign for DNHD1-related condition. Last evaluated: 2019-05-28. Review status: no assertion criteria provided. Collection method: clinical testing. Allele origin: germline. Not counted in ClinVar's aggregate classification.
Comment: This variant is classified as likely benign based on ACMG/AMP sequence variant interpretation guidelines (Richards et al. 2015 PMID: 25741868, with internal and published modifications).

NM_144666.3(DNHD1):c.13729C>T (p.Pro4577Ser)

Gene: DNHD1 (dynein heavy chain domain 1; plus strand). Cytogenetic location: 11p15.4.
Variant type: single nucleotide variant.
Coding change: c.13729C>T on transcript NM_144666.3 (MANE Select); coding-DNA position 13729, C replaced by T.
Protein change: p.Pro4577Ser; replaces proline 4577 with serine.
Molecular consequence: missense variant.
Genome position (GRCh38, 1-based): chr11:6,571,241, C>T. VCF-style: chr11-6571241-C-T. GRCh37 (hg19) VCF-style: chr11-6592471-C-T.
Other names: short protein forms P4577S.
Identifiers: ClinVar variation 721008 (VCV000721008.6), dbSNP rs139951286, ClinGen allele CA5857214.
Genomic context (GRCh38, chr11:6,571,241, plus strand): 5'-CGCCGTGGGCAACTGTTGGTTCGTTACTTGGGCGTGGGCGCGGACGCGAGCAGTGATGTA[C>T]CAGAGCGCGTCTTCCACCTGTCAGCCTTTCGCCACCCGCGCCGCCTGCTGCTGGCATTGC-3'
Protein context (NP_653267.2, residues 4567-4587): GVGADASSDV[Pro4577Ser]ERVFHLSAFR